The following is an entry in ClinVar:

NM_005529.7(HSPG2):c.9079G>A (p.Asp3027Asn)

Gene: HSPG2 (heparan sulfate proteoglycan 2; minus strand). Cytogenetic location: 1p36.12.
Variant type: single nucleotide variant.
Coding change: c.9079G>A on transcript NM_005529.7 (MANE Select); coding-DNA position 9079, G replaced by A.
Protein change: p.Asp3027Asn; replaces aspartic acid 3027 with asparagine.
Molecular consequence: missense variant.
Genome position (GRCh38, 1-based): chr1:21,842,116, C>T on the plus strand (G>A on the coding strand, the complement: HSPG2 is on the minus strand). VCF-style: chr1-21842116-C-T. GRCh37 (hg19) VCF-style: chr1-22168609-C-T.
Other names: c.9082G>A, p.Asp3028Asn (NM_001291860.2); short protein forms D3027N, D3028N.
Identifiers: ClinVar variation 198376 (VCV000198376.12), dbSNP rs201759348, ClinGen allele CA246996.

ClinVar aggregate classification (germline): Uncertain significance. Review status: criteria provided, multiple submitters, no conflicts (2 of 4 stars). 5 submissions from 5 submitters: Uncertain significance (5). Last evaluated 2025-10-08.

Conditions:
Inborn genetic diseases. Identifiers: MedGen C0950123, MeSH D030342.

Allele frequency attached by ClinVar (database versions not stated): ExAC 0.00002; gnomAD exomes 0.00007; TOPMed 0.00014; ESP Exome Variant Server 0.00015; gnomAD 0.00015 and 0.00018.
gnomAD v4.1: 127 of 1,613,552 alleles (0.0079%); highest among the groups gnomAD compares: African/African-American, 0.013%; no homozygotes.

Submissions (5):

Labcorp Genetics (formerly Invitae), Labcorp
Classification: Uncertain significance. Last evaluated: 2025-10-08. Review status: criteria provided, single submitter. Criteria: Invitae Variant Classification Sherloc (09022015). Collection method: clinical testing. Allele origin: germline.
Comment: This sequence change replaces aspartic acid, which is acidic and polar, with asparagine, which is neutral and polar, at codon 3027 of the HSPG2 protein (p.Asp3027Asn). This variant is present in population databases (rs201759348, gnomAD 0.02%). This variant has not been reported in the literature in individuals affected with HSPG2-related conditions. ClinVar contains an entry for this variant (Variation ID: 198376). An algorithm developed to predict the effect of missense changes on protein structure and function outputs the following: PolyPhen-2: "Benign". The asparagine amino acid residue is found in multiple mammalian species, which suggests that this missense change does not adversely affect protein function. In summary, the available evidence is currently insufficient to determine the role of this variant in disease. Therefore, it has been classified as a Variant of Uncertain Significance.

Blueprint Genetics
Classification: Uncertain significance. Last evaluated: 2024-06-17. Review status: criteria provided, single submitter. Criteria: ACMG Guidelines, 2015. Collection method: clinical testing. Allele origin: germline.

Ambry Genetics
Classification: Uncertain significance for Inborn genetic diseases. Last evaluated: 2021-10-05. Review status: criteria provided, single submitter. Criteria: Ambry Variant Classification Scheme 2023. Collection method: clinical testing. Allele origin: germline.

GeneDx
Classification: Uncertain significance. Last evaluated: 2019-12-27. Review status: criteria provided, single submitter. Criteria: GeneDx Variant Classification Process June 2021. Collection method: clinical testing. Allele origin: germline. Affected: yes.
Comment: In silico analysis, which includes protein predictors and evolutionary conservation, supports that this variant does not alter protein structure/function; Has not been previously published as pathogenic or benign to our knowledge

Eurofins Ntd Llc (ga)
Classification: Uncertain significance. Last evaluated: 2015-04-22. Review status: criteria provided, single submitter. Criteria: EGL Classification Definitions 2015. Collection method: clinical testing. Allele origin: germline. Observed: 2 variant alleles, 2 heterozygotes.